The following is an entry in ClinVar:

NM_001204526.2(SSR4):c.20-21G>A

Gene: SSR4 (signal sequence receptor subunit 4; plus strand). Cytogenetic location: Xq28.
Variant type: single nucleotide variant.
Coding change: c.20-21G>A on transcript NM_001204526.2; 21 bases into the intron before coding-DNA position 20, G replaced by A.
Molecular consequence: intron variant.
Genome position (GRCh38, 1-based): chrX:153,794,653, G>A. VCF-style: chrX-153794653-G-A. GRCh37 (hg19) VCF-style: chrX-153060108-G-A.
Other names: c.-14-21G>A (NM_001440796.1); c.68-21G>A (NM_001440795.1); c.11-21G>A (NM_001204527.2).
Identifiers: ClinVar variation 387374 (VCV000387374.3), dbSNP rs374141854, ClinGen allele CA10553198.
Genomic context (GRCh38, chrX:153,794,653, plus strand): 5'-ATTGGCTGCCGCTGCCACTTACGCGTCGCTCTTCCTCGTTTGCCCCTCGTGTTCATGGGA[G>A]CTCGTTTTCTTTTCCTCTAGGCAGAGAAGAGGCGATGGCGGCGATGGCATCTCTCGGCGC-3'

ClinVar aggregate classification (germline): Likely benign (1 of 4 stars; one submission).

Allele frequency attached by ClinVar (database versions not stated): TOPMed below 0.00001.
gnomAD v4.1: 13 of 1,210,786 alleles (0.0011%); highest among the groups gnomAD compares: East Asian, 0.018%; 1 homozygote.

Submission:

GeneDx
Classification: Likely benign. Last evaluated: 2016-07-21. Review status: criteria provided, single submitter. Criteria: GeneDx Variant Classification (06012015). Collection method: clinical testing. Allele origin: germline. Affected: yes.
Comment: This variant is considered likely benign or benign based on one or more of the following criteria: it is a conservative change, it occurs at a poorly conserved position in the protein, it is predicted to be benign by multiple in silico algorithms, and/or has population frequency not consistent with disease.